The following is an entry in ClinVar:

NM_144687.4(NLRP12):c.2852A>G (p.Asn951Ser)

Gene: NLRP12 (NLR family pyrin domain containing 12; minus strand). Cytogenetic location: 19q13.42.
Variant type: single nucleotide variant.
Coding change: c.2852A>G on transcript NM_144687.4 (MANE Select); coding-DNA position 2852, A replaced by G.
Protein change: p.Asn951Ser; replaces asparagine 951 with serine.
Molecular consequence: missense variant. On other transcripts: intron variant (1).
Genome position (GRCh38, 1-based): chr19:53,798,318, T>C on the plus strand (A>G on the coding strand, the complement: NLRP12 is on the minus strand). VCF-style: chr19-53798318-T-C. GRCh37 (hg19) VCF-style: chr19-54301572-T-C.
Other names: c.2855A>G, p.Asn952Ser (NM_001277126.2); c.2757-2289A>G (NM_001277129.1); short protein forms N951S, N952S.
Identifiers: ClinVar variation 4768343 (VCV004768343.1).
Genomic context (GRCh38, chr19:53,798,318, plus strand): 5'-CTGCAGGCGGGATGTTGCAGCCCCTCAGCCAGCAACCACAGGCCCCAGTCTCCCAGGTCG[T>C]TGAAACTCAAGTCCAGCTCCCGGAGGTTGTGGTTGGCCTGGAGCACCACAGAAAGACCCT-3'
Protein context (NP_653288.1, residues 941-961): HNLRELDLSF[Asn951Ser]DLGDWGLWLL

ClinVar aggregate classification (germline): Uncertain significance (1 of 4 stars; one submission).

Conditions:
Familial cold autoinflammatory syndrome 2 (FCAS2). Identifiers: Orphanet 247868, MedGen C2673198, MONDO:0012724, OMIM 611762.

Submission:

Labcorp Genetics (formerly Invitae), Labcorp
Classification: Uncertain significance for Familial cold autoinflammatory syndrome 2. Last evaluated: 2025-04-01. Review status: criteria provided, single submitter. Criteria: Invitae Variant Classification Sherloc (09022015). Collection method: clinical testing. Allele origin: germline.
Comment: This sequence change replaces asparagine, which is neutral and polar, with serine, which is neutral and polar, at codon 951 of the NLRP12 protein (p.Asn951Ser). This variant is not present in population databases (gnomAD no frequency). This variant has not been reported in the literature in individuals affected with NLRP12-related conditions. An algorithm developed to predict the effect of missense changes on protein structure and function (PolyPhen-2) suggests that this variant is likely to be disruptive. In summary, the available evidence is currently insufficient to determine the role of this variant in disease. Therefore, it has been classified as a Variant of Uncertain Significance.